The following is an entry in ClinVar:

ClinVar aggregate classification (germline): Uncertain significance (1 of 4 stars; one submission).

Conditions:
Autosomal dominant nocturnal frontal lobe epilepsy 5. Also called: CILIARY DYSKINESIA, PRIMARY, 28, WITHOUT SITUS INVERSUS; CILIARY DYSKINESIA, PRIMARY, 28, WITH SITUS INVERSUS; KCNT1-Related Epilepsy; Epilepsy, nocturnal frontal lobe, 5. Identifiers: Orphanet 98784, MedGen C3554306, MONDO:0014002, OMIM 615005.
Developmental and epileptic encephalopathy, 14 (DEE14). Also called: Early infantile epileptic encephalopathy 14. Identifiers: Orphanet 293181, MedGen C3554195, MONDO:0013989, OMIM 614959.

gnomAD v4.1: 1 of 1,485,806 alleles (0.000067%); highest among the groups gnomAD compares: South Asian, 0.0012%; no homozygotes.

Submission:

Labcorp Genetics (formerly Invitae), Labcorp
Classification: Uncertain significance for Autosomal dominant nocturnal frontal lobe epilepsy 5; Developmental and epileptic encephalopathy, 14. Last evaluated: 2025-08-03. Review status: criteria provided, single submitter. Criteria: Invitae Variant Classification Sherloc (09022015). Collection method: clinical testing. Allele origin: germline.
Comment: This sequence change replaces proline, which is neutral and non-polar, with serine, which is neutral and polar, at codon 65 of the KCNT1 protein (p.Pro65Ser). This variant is not present in population databases (gnomAD no frequency). This variant has not been reported in the literature in individuals affected with KCNT1-related conditions. Invitae Evidence Modeling of protein sequence and biophysical properties (such as structural, functional, and spatial information, amino acid conservation, physicochemical variation, residue mobility, and thermodynamic stability) indicates that this missense variant is not expected to disrupt KCNT1 protein function with a negative predictive value of 95%. In summary, the available evidence is currently insufficient to determine the role of this variant in disease. Therefore, it has been classified as a Variant of Uncertain Significance.

NM_020822.3(KCNT1):c.193C>T (p.Pro65Ser)

Gene: KCNT1 (potassium sodium-activated channel subfamily T member 1; plus strand). Cytogenetic location: 9q34.3.
Variant type: single nucleotide variant.
Coding change: c.193C>T on transcript NM_020822.3 (MANE Select); coding-DNA position 193, C replaced by T.
Protein change: p.Pro65Ser; replaces proline 65 with serine.
Molecular consequence: missense variant. On other transcripts: intron variant (1).
Genome position (GRCh38, 1-based): chr9:135,714,659, C>T. VCF-style: chr9-135714659-C-T. GRCh37 (hg19) VCF-style: chr9-138606505-C-T.
Other names: c.110+12291C>T (NM_001272003.2); short protein forms P65S.
Identifiers: ClinVar variation 4789543 (VCV004789543.1).
Genomic context (GRCh38, chr9:135,714,659, plus strand): 5'-GCGCTCCTGGACACCGCCGGCTTCAAGATGAGCGACCTGGACTCCGAGGTGCTGCCCTTG[C>T]CGCCGCGCTACCGCTTCCGGGACCTGCTGCTGGGCGACCCGTCCTTCCAGAACGACGACA-3'
Protein context (NP_065873.2, residues 55-75): SDLDSEVLPL[Pro65Ser]PRYRFRDLLL